The following is an entry in ClinVar:

ClinVar aggregate classification (germline): Uncertain significance. Review status: criteria provided, multiple submitters, no conflicts (2 of 4 stars). 2 submissions from 2 submitters: Uncertain significance (2). Last evaluated 2026-01-25.

Conditions:
Hereditary cancer-predisposing syndrome. Also called: Neoplastic Syndromes, Hereditary; Tumor predisposition; Hereditary neoplastic syndrome; Hereditary Cancer Syndrome. Identifiers: Orphanet 140162, MedGen C0027672, MeSH D009386, MONDO:0015356.
Familial cancer of breast. Also called: BREAST CANCER, FAMILIAL; Hereditary breast cancer; hereditary breast carcinoma. Identifiers: Orphanet 227535, MedGen C0346153, MONDO:0016419, OMIM 114480. Disease mechanism: loss of function.

Submissions (2):

Labcorp Genetics (formerly Invitae), Labcorp
Classification: Uncertain significance for Familial cancer of breast. Last evaluated: 2026-01-25. Review status: criteria provided, single submitter. Criteria: Invitae Variant Classification Sherloc (09022015). Collection method: clinical testing. Allele origin: germline.
Comment: This sequence change replaces glycine, which is neutral and non-polar, with arginine, which is basic and polar, at codon 681 of the BARD1 protein (p.Gly681Arg). This variant is not present in population databases (gnomAD no frequency). This missense change has been observed in individual(s) with breast cancer (PMID: 35534704). ClinVar contains an entry for this variant (Variation ID: 3231786). An algorithm developed to predict the effect of missense changes on protein structure and function (PolyPhen-2) suggests that this variant is likely to be disruptive. In summary, the available evidence is currently insufficient to determine the role of this variant in disease. Therefore, it has been classified as a Variant of Uncertain Significance.

Ambry Genetics
Classification: Uncertain significance for Hereditary cancer-predisposing syndrome. Last evaluated: 2024-02-03. Review status: criteria provided, single submitter. Criteria: Ambry Variant Classification Scheme 2023. Collection method: clinical testing. Allele origin: germline.
Comment: The p.G681R variant (also known as c.2041G>A), located in coding exon 11 of the BARD1 gene, results from a G to A substitution at nucleotide position 2041. The glycine at codon 681 is replaced by arginine, an amino acid with dissimilar properties. This amino acid position is conserved. In addition, the in silico prediction for this alteration is inconclusive. Based on the available evidence, the clinical significance of this alteration remains unclear.

Literature cited by the submitters: PubMed 35534704 (cited by Labcorp Genetics (formerly Invitae), Labcorp).

NM_000465.4(BARD1):c.2041G>A (p.Gly681Arg)

Gene: BARD1 (BRCA1 associated RING domain 1; minus strand). Cytogenetic location: 2q35.
Variant type: single nucleotide variant.
Coding change: c.2041G>A on transcript NM_000465.4 (MANE Select); coding-DNA position 2041, G replaced by A.
Protein change: p.Gly681Arg; replaces glycine 681 with arginine.
Molecular consequence: missense variant. On other transcripts: non-coding transcript variant (3).
Genome position (GRCh38, 1-based): chr2:214,728,969, C>T on the plus strand (G>A on the coding strand, the complement: BARD1 is on the minus strand). VCF-style: chr2-214728969-C-T. GRCh37 (hg19) VCF-style: chr2-215593693-C-T.
Other names: c.1984G>A, p.Gly662Arg (NM_001282543.2); c.688G>A, p.Gly230Arg (NM_001282545.2); c.631G>A, p.Gly211Arg (NM_001282548.2); c.502G>A, p.Gly168Arg (NM_001282549.2); short protein forms G168R, G211R, G230R, G662R, G681R.
Identifiers: ClinVar variation 3231786 (VCV003231786.2), dbSNP rs2105987867, ClinGen allele CA350450742.